The following is an entry in ClinVar:

NM_000744.7(CHRNA4):c.1629C>T (p.Ser543=)

Gene: CHRNA4 (cholinergic receptor nicotinic alpha 4 subunit; minus strand). Cytogenetic location: 20q13.33.
Variant type: single nucleotide variant.
Coding change: c.1629C>T on transcript NM_000744.7 (MANE Select); coding-DNA position 1629, C replaced by T.
Protein change: p.Ser543=; no amino-acid change (serine 543 retained).
Molecular consequence: synonymous variant. On other transcripts: non-coding transcript variant (1).
Genome position (GRCh38, 1-based): chr20:63,349,782, G>A on the plus strand (C>T on the coding strand, the complement: CHRNA4 is on the minus strand). VCF-style: chr20-63349782-G-A. GRCh37 (hg19) VCF-style: chr20-61981134-G-A.
Other names: CHRNA4, EX5, C-T (rs1044396); p.Ser543=; c.1101C>T, p.Ser367= (NM_001256573.2).
Identifiers: ClinVar variation 93427 (VCV000093427.32), dbSNP rs1044396, ClinGen allele CA146965.

ClinVar aggregate classification (germline): Benign. Review status: criteria provided, multiple submitters, no conflicts (2 of 4 stars). 13 submissions from 13 submitters: Benign (11). 2 of the submissions do not count toward it. Last evaluated 2026-02-04.

Conditions:
Familial sleep-related hypermotor epilepsy. Also called: Autosomal Dominant Sleep-Related Hypermotor (Hyperkinetic) Epilepsy. Identifiers: Orphanet 98784, MedGen C3696898, MONDO:0000030.
Inborn genetic diseases. Identifiers: MedGen C0950123, MeSH D030342.
Autosomal dominant nocturnal frontal lobe epilepsy 1. Also called: EPILEPSY, NOCTURNAL FRONTAL LOBE, TYPE 1; CHRNA4-Related Nocturnal Frontal Lobe Epilepsy, Autosomal Dominant. Identifiers: Orphanet 98784, MedGen C1838049, MONDO:0010899, OMIM 600513.
NICOTINE ADDICTION, PROTECTION AGAINST. Identifiers: MedGen C4015943.

Allele frequency attached by ClinVar (database versions not stated): 1000 Genomes Project 0.32348; 1000 Genomes Project 30x 0.32558; TOPMed 0.38790; gnomAD 0.40465; ESP Exome Variant Server 0.40831.

Submissions (13):

Labcorp Genetics (formerly Invitae), Labcorp
Classification: Benign. Last evaluated: 2026-02-04. Review status: criteria provided, single submitter. Criteria: Invitae Variant Classification Sherloc (09022015). Collection method: clinical testing. Allele origin: germline.

Blueprint Genetics
Classification: Benign. Last evaluated: 2024-11-28. Review status: criteria provided, single submitter. Criteria: ACMG Guidelines, 2015. Collection method: clinical testing. Allele origin: germline.

Unidad de Genómica Garrahan, Hospital de Pediatría Garrahan
Classification: Benign. Last evaluated: 2024-07-15. Review status: criteria provided, single submitter. Criteria: ACMG Guidelines, 2015. Collection method: clinical testing. Allele origin: germline. Affected: no. Observed: 69 variant alleles.
Comment: This variant is classified as Benign based on local population frequency. This variant was detected in 74% of patients studied in a panel designed for Epileptic and Developmental Encephalopathy and Progressive Myoclonus Epilepsy. Number of patients: 69. Only high quality variants are reported.

Genome-Nilou Lab
Classification: Benign for Autosomal dominant nocturnal frontal lobe epilepsy 1. Last evaluated: 2021-07-22. Review status: criteria provided, single submitter. Criteria: ACMG Guidelines, 2015. Collection method: clinical testing. Allele origin: germline. Affected: no.

Mayo Clinic Laboratories, Mayo Clinic
Classification: Benign. Last evaluated: 2018-06-26. Review status: criteria provided, single submitter. Criteria: ACMG Guidelines, 2015. Collection method: clinical testing. Allele origin: germline. Observed: 362 variant alleles.

Athena Diagnostics
Classification: Benign. Last evaluated: 2017-04-28. Review status: criteria provided, single submitter. Criteria: Athena Diagnostics Criteria. Collection method: clinical testing. Allele origin: germline.

Eurofins Ntd Llc (ga)
Classification: Benign. Last evaluated: 2016-04-12. Review status: criteria provided, single submitter. Criteria: EGL Classification Definitions 2015. Collection method: clinical testing. Allele origin: germline. Observed: 50 variant alleles, 37 heterozygotes, 13 homozygotes.

Ambry Genetics
Classification: Benign for Inborn genetic diseases. Last evaluated: 2016-01-08. Review status: criteria provided, single submitter. Criteria: Ambry Variant Classification Scheme 2023. Collection method: clinical testing. Allele origin: germline.

GeneDx
Classification: Benign. Last evaluated: 2015-03-03. Review status: criteria provided, single submitter. Criteria: GeneDx Variant Classification Process June 2021. Collection method: clinical testing. Allele origin: germline. Affected: yes.
Comment: This variant is associated with the following publications: (PMID: 28877969)

Breakthrough Genomics
Classification: Benign. Review status: criteria provided, single submitter. Criteria: ACMG Guidelines, 2015. Collection method: not provided. Allele origin: germline. Inheritance: Autosomal dominant inheritance. Affected: yes.

PreventionGenetics, part of Exact Sciences
Classification: Benign. Review status: criteria provided, single submitter. Criteria: ACMG Guidelines, 2015. Collection method: clinical testing. Allele origin: germline.

OMIM
Classification: protective for NICOTINE ADDICTION, PROTECTION AGAINST. Last evaluated: 2004-07-01. Review status: no assertion criteria provided. Collection method: literature only. Allele origin: germline. Not counted in ClinVar's aggregate classification.

Genetic Services Laboratory, University of Chicago
Classification: Likely benign for AllHighlyPenetrant. Review status: no assertion criteria provided. Collection method: clinical testing. Allele origin: germline. Inheritance: Autosomal dominant inheritance. Not counted in ClinVar's aggregate classification.
Comment: Likely benign based on allele frequency in 1000 Genomes Project or ESP global frequency and its presence in a patient with a rare or unrelated disease phenotype. NOT Sanger confirmed.

Literature cited by the submitters: PubMed 15154117 (cited by OMIM).